The following is an entry in ClinVar:

ClinVar aggregate classification (germline): Likely pathogenic (1 of 4 stars; one submission).

Submission:

GeneDx
Classification: Likely pathogenic. Last evaluated: 2018-10-25. Review status: criteria provided, single submitter. Criteria: GeneDx Variant Classification (06012015). Collection method: clinical testing. Allele origin: germline. Affected: yes.
Comment: The Y453X variant in the PIK3R2 gene has not been reported previously as a pathogenic variant nor as a benign variant, to our knowledge. This variant is predicted to cause loss of normal protein function either through protein truncation or nonsense-mediated mRNA decay. The Y453X variant is not observed in large population cohorts (Lek et al., 2016). We interpret Y453X as a likely pathogenic variant.

NM_005027.4(PIK3R2):c.1359C>A (p.Tyr453Ter)

Gene: PIK3R2 (phosphoinositide-3-kinase regulatory subunit 2; plus strand). Cytogenetic location: 19p13.11.
Variant type: single nucleotide variant.
Coding change: c.1359C>A on transcript NM_005027.4 (MANE Select); coding-DNA position 1359, C replaced by A.
Protein change: p.Tyr453Ter; replaces tyrosine 453 with a stop codon.
Molecular consequence: nonsense. On other transcripts: non-coding transcript variant (2).
Genome position (GRCh38, 1-based): chr19:18,163,331, C>A. VCF-style: chr19-18163331-C-A. GRCh37 (hg19) VCF-style: chr19-18274141-C-A.
Other names: c.1359C>A, p.Tyr453Ter (LRG_1392t1); short protein forms Y453*.
Identifiers: ClinVar variation 620407 (VCV000620407.1), dbSNP rs1568637223, ClinGen allele CA404810259.